The following is an entry in ClinVar:

NM_004370.6(COL12A1):c.1297C>T (p.Arg433Cys)

Gene: COL12A1 (collagen type XII alpha 1 chain; minus strand). Cytogenetic location: 6q13.
Variant type: single nucleotide variant.
Coding change: c.1297C>T on transcript NM_004370.6 (MANE Select); coding-DNA position 1297, C replaced by T.
Protein change: p.Arg433Cys; replaces arginine 433 with cysteine.
Molecular consequence: missense variant. On other transcripts: intron variant (2).
Genome position (GRCh38, 1-based): chr6:75,183,644, G>A on the plus strand (C>T on the coding strand, the complement: COL12A1 is on the minus strand). VCF-style: chr6-75183644-G-A. GRCh37 (hg19) VCF-style: chr6-75893360-G-A.
Other names: c.1297C>T, p.Arg433Cys (NM_001424113.1, NM_001424114.1, NM_001424115.1); c.73+19076C>T (NM_001424116.1, NM_080645.3); short protein forms R433C.
Identifiers: ClinVar variation 4787708 (VCV004787708.1).

ClinVar aggregate classification (germline): Uncertain significance (1 of 4 stars; one submission).

Conditions:
Ullrich congenital muscular dystrophy 2 (UCMD2). Identifiers: Orphanet 75840, MedGen C4225314, MONDO:0014654, OMIM 616470.
Bethlem myopathy 2 (BTHLM2). Identifiers: Orphanet 536516, Orphanet 610, MedGen C4225313, MONDO:0034022, OMIM 616471.

Submission:

Labcorp Genetics (formerly Invitae), Labcorp
Classification: Uncertain significance for Bethlem myopathy 2; Ullrich congenital muscular dystrophy 2. Last evaluated: 2025-03-27. Review status: criteria provided, single submitter. Criteria: Invitae Variant Classification Sherloc (09022015). Collection method: clinical testing. Allele origin: germline.
Comment: This sequence change replaces arginine, which is basic and polar, with cysteine, which is neutral and slightly polar, at codon 433 of the COL12A1 protein (p.Arg433Cys). This variant is not present in population databases (gnomAD no frequency). This variant has not been reported in the literature in individuals affected with COL12A1-related conditions. Invitae Evidence Modeling of protein sequence and biophysical properties (such as structural, functional, and spatial information, amino acid conservation, physicochemical variation, residue mobility, and thermodynamic stability) indicates that this missense variant is not expected to disrupt COL12A1 protein function with a negative predictive value of 80%. In summary, the available evidence is currently insufficient to determine the role of this variant in disease. Therefore, it has been classified as a Variant of Uncertain Significance.